The following is an entry in ClinVar:

ClinVar aggregate classification (germline): Uncertain significance. Review status: criteria provided, multiple submitters, no conflicts (2 of 4 stars). 3 submissions from 3 submitters: Uncertain significance (3). Last evaluated 2022-01-20.

Conditions:
Nephronophthisis. Also called: Juvenile Nephronophthisis. Identifiers: Orphanet 655, MedGen C0687120, MONDO:0019005, HP:0000090.
Senior-Loken syndrome 5 (SLSN5). Identifiers: Orphanet 3156, MedGen C1836517, MONDO:0012225, OMIM 609254.

Allele frequency attached by ClinVar (database versions not stated): gnomAD 0.00001; gnomAD exomes 0.00001; TOPMed 0.00002; ESP Exome Variant Server 0.00008.
gnomAD v4.1: 27 of 1,613,738 alleles (0.0017%); highest among the groups gnomAD compares: East Asian, 0.0022%; no homozygotes.

Submissions (3):

Fulgent Genetics
Classification: Uncertain significance for Senior-Loken syndrome 5. Last evaluated: 2022-01-20. Review status: criteria provided, single submitter. Criteria: ACMG Guidelines, 2015. Collection method: clinical testing. Allele origin: unknown.

Labcorp Genetics (formerly Invitae), Labcorp
Classification: Uncertain significance for Nephronophthisis. Last evaluated: 2021-11-08. Review status: criteria provided, single submitter. Criteria: Invitae Variant Classification Sherloc (09022015). Collection method: clinical testing. Allele origin: germline.
Comment: Algorithms developed to predict the effect of missense changes on protein structure and function (SIFT, PolyPhen-2, Align-GVGD) all suggest that this variant is likely to be disruptive. In summary, the available evidence is currently insufficient to determine the role of this variant in disease. Therefore, it has been classified as a Variant of Uncertain Significance. This variant has not been reported in the literature in individuals affected with IQCB1-related conditions. This variant is present in population databases (rs370233738, gnomAD 0.002%). This sequence change replaces cysteine, which is neutral and slightly polar, with tyrosine, which is neutral and polar, at codon 91 of the IQCB1 protein (p.Cys91Tyr).

Blueprint Genetics
Classification: Uncertain significance. Last evaluated: 2021-06-20. Review status: criteria provided, single submitter. Criteria: ACMG Guidelines, 2015. Collection method: clinical testing. Allele origin: germline.

NM_001023570.4(IQCB1):c.272G>A (p.Cys91Tyr)

Gene: IQCB1 (IQ motif containing B1; minus strand). Cytogenetic location: 3q13.33.
Variant type: single nucleotide variant.
Coding change: c.272G>A on transcript NM_001023570.4 (MANE Select); coding-DNA position 272, G replaced by A.
Protein change: p.Cys91Tyr; replaces cysteine 91 with tyrosine.
Molecular consequence: missense variant. On other transcripts: non-coding transcript variant (1).
Genome position (GRCh38, 1-based): chr3:121,826,172, C>T on the plus strand (G>A on the coding strand, the complement: IQCB1 is on the minus strand). VCF-style: chr3-121826172-C-T. GRCh37 (hg19) VCF-style: chr3-121545019-C-T.
Other names: c.272G>A, p.Cys91Tyr (NM_001023571.4, NM_001319107.2); short protein forms C91Y.
Identifiers: ClinVar variation 1378539 (VCV001378539.8), dbSNP rs370233738, ClinGen allele CA82699947.